The following is an entry in ClinVar:

NM_014297.5(ETHE1):c.760G>A (p.Ala254Thr)

Gene: ETHE1 (ETHE1 persulfide dioxygenase; minus strand). Cytogenetic location: 19q13.31.
Variant type: single nucleotide variant.
Coding change: c.760G>A on transcript NM_014297.5 (MANE Select); coding-DNA position 760, G replaced by A.
Protein change: p.Ala254Thr; replaces alanine 254 with threonine.
Molecular consequence: missense variant.
Genome position (GRCh38, 1-based): chr19:43,506,855, C>T on the plus strand (G>A on the coding strand, the complement: ETHE1 is on the minus strand). VCF-style: chr19-43506855-C-T. GRCh37 (hg19) VCF-style: chr19-44011007-C-T.
Other names: c.727G>A, p.Ala243Thr (NM_001320867.2); c.391G>A, p.Ala131Thr (NM_001320868.2); c.466G>A, p.Ala156Thr (NM_001320869.2); short protein forms A131T, A156T, A243T, A254T.
Identifiers: ClinVar variation 2637783 (VCV002637783.1), dbSNP rs762443593, ClinGen allele CA406174569.

ClinVar aggregate classification (germline): Uncertain significance (1 of 4 stars; one submission).

Submission:

Women's Health and Genetics/Laboratory Corporation of America, LabCorp
Classification: Uncertain significance. Last evaluated: 2023-10-17. Review status: criteria provided, single submitter. Criteria: LabCorp Variant Classification Summary - May 2015. Collection method: clinical testing. Allele origin: germline.
Comment: Variant summary: ETHE1 c.760G>A (p.Ala254Thr) results in a non-conservative amino acid change in the encoded protein sequence. Three of five in-silico tools predict a benign effect of the variant on protein function. The variant was absent in 250628 control chromosomes (gnomAD). The available data on variant occurrences in the general population are insufficient to allow any conclusion about variant significance. To our knowledge, no occurrence of c.760G>A in individuals affected with Ethylmalonic Encephalopathy and no experimental evidence demonstrating its impact on protein function have been reported. No submitters have cited clinical-significance assessments for this variant to ClinVar after 2014. Based on the evidence outlined above, the variant was classified as uncertain significance.